The following is an entry in ClinVar:

ClinVar aggregate classification (germline): Uncertain significance (1 of 4 stars; one submission).

Submission:

CeGaT Center for Human Genetics Tuebingen
Classification: Uncertain significance. Last evaluated: 2026-09-01. Review status: criteria provided, single submitter. Criteria: CeGaT Center For Human Genetics Tuebingen Variant Classification Criteria Version 2. Collection method: clinical testing. Allele origin: germline. Affected: yes. Observed: 1 variant allele.
Comment: POLG2: PM2, PS2:Supporting, BP4

NM_007215.4(POLG2):c.1252T>A (p.Leu418Met)

Genes: MILR1 (mast cell immunoglobulin like receptor 1; plus strand), POLG2 (DNA polymerase gamma 2, accessory subunit; minus strand). Cytogenetic location: 17q23.3.
Variant type: single nucleotide variant.
Coding change: c.1252T>A on transcript NM_007215.4 (MANE Select); coding-DNA position 1252, T replaced by A.
Protein change: p.Leu418Met; replaces leucine 418 with methionine.
Molecular consequence: missense variant.
Genome position (GRCh38, 1-based): chr17:64,480,329, A>T on the plus strand (T>A on the coding strand, the complement: POLG2 is on the minus strand). VCF-style: chr17-64480329-A-T. GRCh37 (hg19) VCF-style: chr17-62476446-A-T.
Other names: short protein forms L418M.
Identifiers: ClinVar variation 5041574 (VCV005041574.1).
Genomic context (GRCh38, chr17:64,480,329, plus strand): 5'-AATGAAAATACAATTCTTACTTCGAATAAAGTTGTTCCAATGAGGACTGCATAGTTTCCA[A>T]ATAACCAGGCCACACAGAAATCCCATTTTCTAGTAACTCATTAAATAGCCCTTGACAAAC-3'
Protein context (NP_009146.2, residues 408-428): ENGISVWPGY[Leu418Met]ETMQSSLEQL